The following is an entry in ClinVar:

ClinVar aggregate classification (germline): Uncertain significance (1 of 4 stars; one submission).

Conditions:
Centromeric instability of chromosomes 1,9 and 16 and immunodeficiency (ICF1). Also called: Immunodeficiency-centromeric instability-facial anomalies; CENTROMERIC INSTABILITY, IMMUNODEFICIENCY SYNDROME; IMMUNE DEFICIENCY, VARIABLE, WITH CENTROMERIC INSTABILITY OF CHROMOSOMES 1, 9, AND 16; IMMUNODEFICIENCY SYNDROME, VARIABLE. Identifiers: Orphanet 2268, MedGen C0398788, MONDO:0000133.

Submission:

Labcorp Genetics (formerly Invitae), Labcorp
Classification: Uncertain significance for Centromeric instability of chromosomes 1,9 and 16 and immunodeficiency. Last evaluated: 2022-06-07. Review status: criteria provided, single submitter. Criteria: Invitae Variant Classification Sherloc (09022015). Collection method: clinical testing. Allele origin: germline.
Comment: This sequence change affects codon 780 of the DNMT3B mRNA. It is a 'silent' change, meaning that it does not change the encoded amino acid sequence of the DNMT3B protein. This variant is present in population databases (rs151108199, gnomAD 0.01%). This variant has not been reported in the literature in individuals affected with DNMT3B-related conditions. Algorithms developed to predict the effect of sequence changes on RNA splicing suggest that this variant may disrupt the consensus splice site. In summary, the available evidence is currently insufficient to determine the role of this variant in disease. Therefore, it has been classified as a Variant of Uncertain Significance.

NM_006892.4(DNMT3B):c.2340G>T (p.Ser780=)

Gene: DNMT3B (DNA methyltransferase 3 beta; plus strand). Cytogenetic location: 20q11.21.
Variant type: single nucleotide variant.
Coding change: c.2340G>T on transcript NM_006892.4 (MANE Select); coding-DNA position 2340, G replaced by T.
Protein change: p.Ser780=; no amino-acid change (serine 780 retained).
Molecular consequence: synonymous variant. On other transcripts: intron variant (3).
Genome position (GRCh38, 1-based): chr20:32,806,247, G>T. VCF-style: chr20-32806247-G-T. GRCh37 (hg19) VCF-style: chr20-31394053-G-T.
Other names: c.2280G>T, p.Ser760= (NM_175848.2); c.2316G>T, p.Ser772= (NM_175850.3); c.2172-1515G>T (NM_175849.2); c.2046-1515G>T (NM_001207055.2); c.1944-1515G>T (NM_001207056.2).
Identifiers: ClinVar variation 2104791 (VCV002104791.1), dbSNP rs151108199, ClinGen allele CA9810899.